The following is an entry in ClinVar:

NM_001003787.4(STRADA):c.1223C>A (p.Ser408Tyr)

Gene: STRADA (STE20 related adaptor alpha; minus strand). Cytogenetic location: 17q23.3.
Variant type: single nucleotide variant.
Coding change: c.1223C>A on transcript NM_001003787.4 (MANE Select); coding-DNA position 1223, C replaced by A.
Protein change: p.Ser408Tyr; replaces serine 408 with tyrosine.
Molecular consequence: missense variant. On other transcripts: 3 prime UTR variant (7), non-coding transcript variant (1).
Genome position (GRCh38, 1-based): chr17:63,703,672, G>T on the plus strand (C>A on the coding strand, the complement: STRADA is on the minus strand). VCF-style: chr17-63703672-G-T. GRCh37 (hg19) VCF-style: chr17-61781032-G-T.
Other names: c.1112C>A, p.Ser371Tyr (NM_001003786.3); c.1049C>A, p.Ser350Tyr (NM_001003788.3); c.*100C>A (NM_001165969.2, NM_001165970.2, NM_001363788.1 and 2 more transcripts); c.1199C>A, p.Ser400Tyr (NM_001363786.1); c.1136C>A, p.Ser379Tyr (NM_001363787.1); c.*12C>A (NM_001363790.1); c.*611C>A (NM_153335.6); short protein forms S350Y, S371Y, S400Y, S408Y, S379Y.
Identifiers: ClinVar variation 847533 (VCV000847533.7), dbSNP rs200730710, ClinGen allele CA8703060.

ClinVar aggregate classification (germline): Uncertain significance (1 of 4 stars; one submission).

Conditions:
Polyhydramnios, megalencephaly, and symptomatic epilepsy (PMSE). Also called: PMSE SYNDROME. Identifiers: Orphanet 500533, MedGen C1970203, MONDO:0012611, OMIM 611087.

Allele frequency attached by ClinVar (database versions not stated): ExAC 0.00002; gnomAD 0.00002; gnomAD exomes 0.00002; TOPMed 0.00002.
gnomAD v4.1: 14 of 1,614,100 alleles (0.00087%); highest among the groups gnomAD compares: African/African-American, 0.013%; no homozygotes.

Submission:

Labcorp Genetics (formerly Invitae), Labcorp
Classification: Uncertain significance for Polyhydramnios, megalencephaly, and symptomatic epilepsy. Last evaluated: 2022-06-01. Review status: criteria provided, single submitter. Criteria: Invitae Variant Classification Sherloc (09022015). Collection method: clinical testing. Allele origin: germline.
Comment: This sequence change replaces serine, which is neutral and polar, with tyrosine, which is neutral and polar, at codon 408 of the STRADA protein (p.Ser408Tyr). This variant is present in population databases (rs200730710, gnomAD 0.01%). This variant has not been reported in the literature in individuals affected with STRADA-related conditions. ClinVar contains an entry for this variant (Variation ID: 847533). Algorithms developed to predict the effect of missense changes on protein structure and function (SIFT, PolyPhen-2, Align-GVGD) all suggest that this variant is likely to be tolerated. In summary, the available evidence is currently insufficient to determine the role of this variant in disease. Therefore, it has been classified as a Variant of Uncertain Significance.